The following is an entry in ClinVar:

ClinVar aggregate classification (germline): Uncertain significance (1 of 4 stars; one submission).

Submission:

Ambry Genetics
Classification: Uncertain significance. Last evaluated: 2025-06-07. Review status: criteria provided, single submitter. Criteria: Ambry Variant Classification Scheme 2023. Collection method: clinical testing. Allele origin: germline.
Comment: The p.V197G variant (also known as c.590T>G), located in coding exon 4 of the TMPO gene, results from a T to G substitution at nucleotide position 590. The valine at codon 197 is replaced by glycine, an amino acid with dissimilar properties. This amino acid position is conserved. In addition, this alteration is predicted to be tolerated by in silico analysis. Based on the available evidence, the clinical significance of this variant remains unclear.

NM_001032283.3(TMPO):c.565+1009T>G

Gene: TMPO (thymopoietin; plus strand). Cytogenetic location: 12q23.1.
Variant type: single nucleotide variant.
Coding change: c.565+1009T>G on transcript NM_001032283.3 (MANE Select); 1009 bases into the intron after coding-DNA position 565, T replaced by G.
Molecular consequence: intron variant. On other transcripts: missense variant (1).
Genome position (GRCh38, 1-based): chr12:98,532,847, T>G. VCF-style: chr12-98532847-T-G. GRCh37 (hg19) VCF-style: chr12-98926625-T-G.
Other names: c.590T>G, p.Val197Gly (NM_003276.2); c.565+1009T>G (NM_001307975.2, NM_001032284.3); short protein forms V197G.
Identifiers: ClinVar variation 3970999 (VCV003970999.1).